The following is an entry in ClinVar:

ClinVar aggregate classification (germline): Benign. Review status: criteria provided, multiple submitters, no conflicts (2 of 4 stars). 3 submissions from 3 submitters: Benign (2). 1 of the submissions does not count toward it. Last evaluated 2018-05-08.

Conditions:
LDHD-related disorder. Also called: LDHD-related condition.

Allele frequency attached by ClinVar (database versions not stated): ESP Exome Variant Server 0.00025; TOPMed 0.00473; 1000 Genomes Project 0.00599; 1000 Genomes Project 30x 0.00687.
gnomAD v4.1: 2,967 of 1,532,766 alleles (0.19%); highest among the groups gnomAD compares: Admixed American, 5.4%; 106 homozygotes.

Submissions (3):

Labcorp Genetics (formerly Invitae), Labcorp
Classification: Benign. Last evaluated: 2018-05-08. Review status: criteria provided, single submitter. Criteria: Invitae Variant Classification Sherloc (09022015). Collection method: clinical testing. Allele origin: germline.

Breakthrough Genomics
Classification: Benign. Review status: criteria provided, single submitter. Criteria: ACMG Guidelines, 2015. Collection method: not provided. Allele origin: germline. Inheritance: Autosomal recessive inheritance. Affected: yes.

PreventionGenetics, part of Exact Sciences
Classification: Benign for LDHD-related condition. Last evaluated: 2019-11-04. Review status: no assertion criteria provided. Collection method: clinical testing. Allele origin: germline. Not counted in ClinVar's aggregate classification.
Comment: This variant is classified as benign based on ACMG/AMP sequence variant interpretation guidelines (Richards et al. 2015 PMID: 25741868, with internal and published modifications).

NM_194436.3(LDHD):c.531G>C (p.Ala177=)

Gene: LDHD (lactate dehydrogenase D; minus strand). Cytogenetic location: 16q23.1.
Variant type: single nucleotide variant.
Coding change: c.531G>C on transcript NM_194436.3 (MANE Select); coding-DNA position 531, G replaced by C.
Protein change: p.Ala177=; no amino-acid change (alanine 177 retained).
Molecular consequence: synonymous variant.
Genome position (GRCh38, 1-based): chr16:75,114,624, C>G on the plus strand (G>C on the coding strand, the complement: LDHD is on the minus strand). VCF-style: chr16-75114624-C-G. GRCh37 (hg19) VCF-style: chr16-75148522-C-G.
Other names: c.531G>C, p.Ala177= (NM_153486.4).
Identifiers: ClinVar variation 770257 (VCV000770257.6), dbSNP rs184025651, ClinGen allele CA8172517.
Genomic context (GRCh38, chr16:75,114,624, plus strand): 5'-CCCGTCGGGCAGCACCACCTCCAGGTTGAGCACGTTGTCCCGCATGGTGCCGTAGCGGAC[C>G]GCGTTGGTCCCCGACGCCCCGGTGGCCGCCATGCCACAGAGAGAGGCGTCCGCGCCTGGG-3'
Protein context (NP_919417.1, residues 167-187): MAATGASGTN[Ala177=]VRYGTMRDNV